The following is an entry in ClinVar:

NM_005245.4(FAT1):c.1597G>A (p.Val533Ile)

Gene: FAT1 (FAT atypical cadherin 1; minus strand). Cytogenetic location: 4q35.2.
Variant type: single nucleotide variant.
Coding change: c.1597G>A on transcript NM_005245.4 (MANE Select); coding-DNA position 1597, G replaced by A.
Protein change: p.Val533Ile; replaces valine 533 with isoleucine.
Molecular consequence: missense variant.
Genome position (GRCh38, 1-based): chr4:186,708,231, C>T on the plus strand (G>A on the coding strand, the complement: FAT1 is on the minus strand). VCF-style: chr4-186708231-C-T. GRCh37 (hg19) VCF-style: chr4-187629385-C-T.
Other names: c.1597G>A (NM_005245.3); short protein forms V533I.
Identifiers: ClinVar variation 1949425 (VCV001949425.6), dbSNP rs757277027, ClinGen allele CA3167433.

ClinVar aggregate classification (germline): Conflicting classifications of pathogenicity. Review status: criteria provided, conflicting classifications (1 of 4 stars). 2 submissions from 2 submitters: Uncertain significance (1); Likely benign (1). Last evaluated 2024-04-18.

Conditions:
Inborn genetic diseases. Identifiers: MedGen C0950123, MeSH D030342.

Allele frequency attached by ClinVar (database versions not stated): gnomAD 0.00001; gnomAD exomes 0.00002; ExAC 0.00003; TOPMed 0.00004.
gnomAD v4.1: 37 of 1,613,854 alleles (0.0023%); highest among the groups gnomAD compares: East Asian, 0.025%; no homozygotes.

Submissions (2):

Ambry Genetics
Classification: Likely benign for Inborn genetic diseases. Last evaluated: 2024-04-18. Review status: criteria provided, single submitter. Criteria: Ambry Variant Classification Scheme 2023. Collection method: clinical testing. Allele origin: germline.

Labcorp Genetics (formerly Invitae), Labcorp
Classification: Uncertain significance. Last evaluated: 2022-04-10. Review status: criteria provided, single submitter. Criteria: Invitae Variant Classification Sherloc (09022015). Collection method: clinical testing. Allele origin: germline.
Comment: This sequence change replaces valine, which is neutral and non-polar, with isoleucine, which is neutral and non-polar, at codon 533 of the FAT1 protein (p.Val533Ile). This variant is present in population databases (rs757277027, gnomAD 0.05%). This variant has not been reported in the literature in individuals affected with FAT1-related conditions. Algorithms developed to predict the effect of missense changes on protein structure and function (SIFT, PolyPhen-2, Align-GVGD) all suggest that this variant is likely to be tolerated. In summary, the available evidence is currently insufficient to determine the role of this variant in disease. Therefore, it has been classified as a Variant of Uncertain Significance.